The following is an entry in ClinVar:

NM_003742.4(ABCB11):c.1869A>G (p.Ala623=)

Gene: ABCB11 (ATP binding cassette subfamily B member 11; minus strand). Cytogenetic location: 2q31.1.
Variant type: single nucleotide variant.
Coding change: c.1869A>G on transcript NM_003742.4 (MANE Select); coding-DNA position 1869, A replaced by G.
Protein change: p.Ala623=; no amino-acid change (alanine 623 retained).
Molecular consequence: synonymous variant.
Genome position (GRCh38, 1-based): chr2:168,969,492, T>C on the plus strand (A>G on the coding strand, the complement: ABCB11 is on the minus strand). VCF-style: chr2-168969492-T-C. GRCh37 (hg19) VCF-style: chr2-169826002-T-C.
Identifiers: ClinVar variation 4845947 (VCV004845947.1).

ClinVar aggregate classification (germline): Likely benign (1 of 4 stars; one submission).

Conditions:
Familial intrahepatic cholestasis. Identifiers: Orphanet 284385, MedGen CN296401, MONDO:0017290.

gnomAD v4.1: 3 of 1,612,664 alleles (0.00019%); highest among the groups gnomAD compares: Non-Finnish European, 0.00025%; no homozygotes.

Submission:

Genomenon, Inc
Classification: Likely benign for Familial intrahepatic cholestasis. Last evaluated: 2026-04-14. Review status: criteria provided, single submitter. Criteria: Genomenon Sequence Variant Interpretation Standards - Updated. Collection method: curation. Allele origin: germline. Affected: no.
Comment: ABCB11 c.1869A>G is a synonymous variant that retains Alanine at residue 623. This variant has been reported in the published literature (PMID:16763017). It is absent or not present at a significant frequency in gnomAD. This synonymous variant is not predicted to impact splicing. In conclusion, we classify ABCB11 p.Ala623= (c.1869A>G) as a likely benign variant.

Literature cited by the submitters: PubMed 16763017.